The following is an entry in ClinVar:

ClinVar aggregate classification (germline): Uncertain significance. Review status: criteria provided, multiple submitters, no conflicts (2 of 4 stars). 4 submissions from 4 submitters: Uncertain significance (4). Last evaluated 2025-08-29.

Conditions:
Inborn genetic diseases. Identifiers: MedGen C0950123, MeSH D030342.
Acrocallosal syndrome (ACLS). Also called: HALLUX DUPLICATION, POSTAXIAL POLYDACTYLY, AND ABSENCE OF CORPUS CALLOSUM; Schinzel syndrome 1; Absence of corpus callosum with unusual facial appearance, mental deficiency, duplication of the halluces and polydactyly. Identifiers: Orphanet 36, MedGen C0796147, MONDO:0008708, OMIM 200990.
Multiple epiphyseal dysplasia, Al-Gazali type. Also called: Macrocephaly with multiple epiphyseal dysplasia and distinctive facies. Identifiers: Orphanet 166024, MedGen C1846722, MONDO:0011778, OMIM 607131.
Hydrolethalus syndrome 2 (HLS2). Identifiers: Orphanet 2189, MedGen C3279899, MONDO:0013585, OMIM 614120.

Allele frequency attached by ClinVar (database versions not stated): gnomAD 0.00003 and 0.00005; TOPMed 0.00004.
gnomAD v4.1: 39 of 1,151,452 alleles (0.0034%); highest among the groups gnomAD compares: East Asian, 0.023%; 1 homozygote.

Submissions (4):

Ambry Genetics
Classification: Uncertain significance for Inborn genetic diseases. Last evaluated: 2025-08-29. Review status: criteria provided, single submitter. Criteria: Ambry Variant Classification Scheme 2023. Collection method: clinical testing. Allele origin: germline.

Fulgent Genetics
Classification: Uncertain significance for Acrocallosal syndrome; Multiple epiphyseal dysplasia, Al-Gazali type; Hydrolethalus syndrome 2. Last evaluated: 2024-02-02. Review status: criteria provided, single submitter. Criteria: ACMG Guidelines, 2015. Collection method: clinical testing. Allele origin: germline.

Labcorp Genetics (formerly Invitae), Labcorp
Classification: Uncertain significance for Acrocallosal syndrome. Last evaluated: 2022-08-10. Review status: criteria provided, single submitter. Criteria: Invitae Variant Classification Sherloc (09022015). Collection method: clinical testing. Allele origin: germline.
Comment: This sequence change replaces proline, which is neutral and non-polar, with threonine, which is neutral and polar, at codon 433 of the KIF7 protein (p.Pro433Thr). This variant is present in population databases (no rsID available, gnomAD 0.1%). This variant has not been reported in the literature in individuals affected with KIF7-related conditions. ClinVar contains an entry for this variant (Variation ID: 579140). Algorithms developed to predict the effect of missense changes on protein structure and function (SIFT, PolyPhen-2, Align-GVGD) all suggest that this variant is likely to be tolerated. In summary, the available evidence is currently insufficient to determine the role of this variant in disease. Therefore, it has been classified as a Variant of Uncertain Significance.

Illumina Laboratory Services, Illumina
Classification: Uncertain significance for Acrocallosal syndrome. Last evaluated: 2018-01-13. Review status: criteria provided, single submitter. Criteria: ICSL Variant Classification Criteria 13 December 2019. Collection method: clinical testing. Allele origin: germline.

NM_198525.3(KIF7):c.1297C>A (p.Pro433Thr)

Gene: KIF7 (kinesin family member 7; minus strand). Cytogenetic location: 15q26.1.
Variant type: single nucleotide variant.
Coding change: c.1297C>A on transcript NM_198525.3 (MANE Select); coding-DNA position 1297, C replaced by A.
Protein change: p.Pro433Thr; replaces proline 433 with threonine.
Molecular consequence: missense variant.
Genome position (GRCh38, 1-based): chr15:89,648,401, G>T on the plus strand (C>A on the coding strand, the complement: KIF7 is on the minus strand). VCF-style: chr15-89648401-G-T. GRCh37 (hg19) VCF-style: chr15-90191632-G-T.
Other names: short protein forms P433T.
Identifiers: ClinVar variation 579140 (VCV000579140.11), dbSNP rs932033181, ClinGen allele CA274582451.